The following is an entry in ClinVar:

ClinVar aggregate classification (germline): Uncertain significance (1 of 4 stars; one submission).

Conditions:
Hereditary cancer-predisposing syndrome. Also called: Neoplastic Syndromes, Hereditary; Tumor predisposition; Hereditary neoplastic syndrome; Hereditary Cancer Syndrome. Identifiers: Orphanet 140162, MedGen C0027672, MeSH D009386, MONDO:0015356.

Submission:

Ambry Genetics
Classification: Uncertain significance for Hereditary cancer-predisposing syndrome. Last evaluated: 2026-08-29. Review status: criteria provided, single submitter. Criteria: Ambry Variant Classification Scheme 2023. Collection method: clinical testing. Allele origin: germline.
Comment: The p.N823S variant (also known as c.2468A>G), located in coding exon 15 of the PMS2 gene, results from an A to G substitution at nucleotide position 2468. The asparagine at codon 823 is replaced by serine, an amino acid with highly similar properties. This amino acid position is conserved. In addition, this alteration is predicted to be tolerated by in silico analysis. Based on the available evidence, the clinical significance of this variant remains unclear.

NM_000535.7(PMS2):c.2468A>G (p.Asn823Ser)

Gene: PMS2 (PMS1 homolog 2, mismatch repair system component; minus strand). Cytogenetic location: 7p22.1.
Variant type: single nucleotide variant.
Coding change: c.2468A>G on transcript NM_000535.7 (MANE Select); coding-DNA position 2468, A replaced by G.
Protein change: p.Asn823Ser; replaces asparagine 823 with serine.
Molecular consequence: missense variant. On other transcripts: non-coding transcript variant (1).
Genome position (GRCh38, 1-based): chr7:5,973,520, T>C on the plus strand (A>G on the coding strand, the complement: PMS2 is on the minus strand). VCF-style: chr7-5973520-T-C. GRCh37 (hg19) VCF-style: chr7-6013151-T-C.
Other names: c.2159A>G, p.Asn720Ser (NM_001322015.2, NM_001406877.1, NM_001406878.1 and 4 more transcripts); c.2654A>G, p.Asn885Ser (NM_001406866.1); c.2492A>G, p.Asn831Ser (NM_001406868.1); c.2360A>G, p.Asn787Ser (NM_001406869.1); c.2345A>G, p.Asn782Ser (NM_001406870.1); c.2324A>G, p.Asn775Ser (NM_001406871.1); c.2300A>G, p.Asn767Ser (NM_001406872.1, NM_001406874.1); c.2270A>G, p.Asn757Ser (NM_001406873.1); and 20 more; short protein forms N636S, N661S, N665S, N699S, N717S, N728S, N767S, N823S.
Identifiers: ClinVar variation 5026881 (VCV005026881.1).